The following is an entry in ClinVar:

NM_004444.5(EPHB4):c.1298-9C>G

Gene: EPHB4 (EPH receptor B4; minus strand). Cytogenetic location: 7q22.1.
Variant type: single nucleotide variant.
Coding change: c.1298-9C>G on transcript NM_004444.5 (MANE Select); 9 bases into the intron before coding-DNA position 1298, C replaced by G.
Molecular consequence: intron variant.
Genome position (GRCh38, 1-based): chr7:100,818,653, G>C on the plus strand (C>G on the coding strand, the complement: EPHB4 is on the minus strand). VCF-style: chr7-100818653-G-C. GRCh37 (hg19) VCF-style: chr7-100416275-G-C.
Identifiers: ClinVar variation 3029800 (VCV003029800.2), dbSNP rs530205031, ClinGen allele CA4393032.
Genomic context (GRCh38, chr7:100,818,653, plus strand): 5'-AAGCTGCTGGGTGAGGACCGCGTCACCCGGATGTCAGACACTGCAGGAGGTACTGTGAGA[G>C]GCAGAGACACAGGGAACCCTTGTGCATGGTAGCTCTGTCCCTTAACTTAAAAAAAATTTT-3'

ClinVar aggregate classification (germline): Likely benign (0 of 4 stars; one submission).

Conditions:
EPHB4-related disorder. Also called: EPHB4-related disorders; EPHB4-related condition.

Allele frequency attached by ClinVar (database versions not stated): gnomAD 0.00001; ExAC 0.00002; 1000 Genomes Project 0.00020; 1000 Genomes Project 30x 0.00031.
gnomAD v4.1: 9 of 1,606,184 alleles (0.00056%); highest among the groups gnomAD compares: East Asian, 0.018%; no homozygotes.

Submission:

PreventionGenetics, part of Exact Sciences
Classification: Likely benign for EPHB4-related condition. Last evaluated: 2021-11-29. Review status: no assertion criteria provided. Collection method: clinical testing. Allele origin: germline.
Comment: This variant is classified as likely benign based on ACMG/AMP sequence variant interpretation guidelines (Richards et al. 2015 PMID: 25741868, with internal and published modifications).